The following is an entry in ClinVar:

ClinVar aggregate classification (germline): Uncertain significance (1 of 4 stars; one submission).

Conditions:
Granulomatous disease, chronic, X-linked. Also called: GRANULOMATOUS DISEASE, CHRONIC, X-LINKED, SOMATIC MOSAIC; CYTOCHROME b-NEGATIVE GRANULOMATOUS DISEASE, CHRONIC, X-LINKED. Identifiers: Orphanet 379, MedGen C1844376, MONDO:0010600, OMIM 306400.

Allele frequency attached by ClinVar (database versions not stated): gnomAD exomes below 0.00001; ExAC 0.00001; gnomAD 0.00002; TOPMed 0.00008; ESP Exome Variant Server 0.00019.
gnomAD v4.1: 3 of 1,208,397 alleles (0.00025%); highest among the groups gnomAD compares: African/African-American, 0.0053%; no homozygotes.

Submission:

Labcorp Genetics (formerly Invitae), Labcorp
Classification: Uncertain significance for Granulomatous disease, chronic, X-linked. Last evaluated: 2025-04-10. Review status: criteria provided, single submitter. Criteria: Invitae Variant Classification Sherloc (09022015). Collection method: clinical testing. Allele origin: germline.
Comment: This sequence change replaces glutamine, which is neutral and polar, with arginine, which is basic and polar, at codon 459 of the CYBB protein (p.Gln459Arg). The frequency data for this variant in the population databases is considered unreliable, as metrics indicate poor data quality at this position in the gnomAD database. This variant has not been reported in the literature in individuals affected with CYBB-related conditions. ClinVar contains an entry for this variant (Variation ID: 2174655). Invitae Evidence Modeling of protein sequence and biophysical properties (such as structural, functional, and spatial information, amino acid conservation, physicochemical variation, residue mobility, and thermodynamic stability) indicates that this missense variant is not expected to disrupt CYBB protein function with a negative predictive value of 80%. In summary, the available evidence is currently insufficient to determine the role of this variant in disease. Therefore, it has been classified as a Variant of Uncertain Significance.

NM_000397.4(CYBB):c.1376A>G (p.Gln459Arg)

Gene: CYBB (cytochrome b-245 beta chain; plus strand). Cytogenetic location: Xp11.4.
Variant type: single nucleotide variant.
Coding change: c.1376A>G on transcript NM_000397.4 (MANE Select); coding-DNA position 1376, A replaced by G.
Protein change: p.Gln459Arg; replaces glutamine 459 with arginine.
Molecular consequence: missense variant.
Genome position (GRCh38, 1-based): chrX:37,806,448, A>G. VCF-style: chrX-37806448-A-G. GRCh37 (hg19) VCF-style: chrX-37665701-A-G.
Other names: short protein forms Q459R.
Identifiers: ClinVar variation 2174655 (VCV002174655.2), dbSNP rs145417018, ClinGen allele CA10383888.
Genomic context (GRCh38, chrX:37,806,448, plus strand): 5'-TCTACTTCTACTGGCTGTGCCGGGACACACATGCCTTTGAGTGGTTTGCAGATCTGCTGC[A>G]ACTGCTGGAGAGCCAGATGCAGGAAAGGAACAATGCCGGCTTCCTCAGCTACAACATCTA-3'
Protein context (NP_000388.2, residues 449-469): HAFEWFADLL[Gln459Arg]LLESQMQERN